The following is an entry in ClinVar:

ClinVar aggregate classification (germline): Uncertain significance (1 of 4 stars; one submission).

Conditions:
Autosomal dominant hypocalcemia 1 (HYPOC1). Also called: HYPOCALCEMIA, FAMILIAL. Identifiers: MedGen C3715128, MONDO:0011013, OMIM 601198.
Familial hypocalciuric hypercalcemia (FHH). Also called: Familial benign hypercalcemia. Identifiers: Orphanet 405, MedGen C1809471, MONDO:0018458.

Submission:

Labcorp Genetics (formerly Invitae), Labcorp
Classification: Uncertain significance for Familial hypocalciuric hypercalcemia; Autosomal dominant hypocalcemia 1. Last evaluated: 2023-03-31. Review status: criteria provided, single submitter. Criteria: Invitae Variant Classification Sherloc (09022015). Collection method: clinical testing. Allele origin: germline.
Comment: In summary, the available evidence is currently insufficient to determine the role of this variant in disease. Therefore, it has been classified as a Variant of Uncertain Significance. An algorithm developed to predict the effect of missense changes on protein structure and function (PolyPhen-2) suggests that this variant is likely to be tolerated. This variant has not been reported in the literature in individuals affected with CASR-related conditions. This variant is not present in population databases (gnomAD no frequency). This sequence change replaces threonine, which is neutral and polar, with isoleucine, which is neutral and non-polar, at codon 1030 of the CASR protein (p.Thr1030Ile).

NM_000388.4(CASR):c.3089C>T (p.Thr1030Ile)

Gene: CASR (calcium sensing receptor; plus strand). Cytogenetic location: 3q21.1.
Variant type: single nucleotide variant.
Coding change: c.3089C>T on transcript NM_000388.4 (MANE Select); coding-DNA position 3089, C replaced by T.
Protein change: p.Thr1030Ile; replaces threonine 1030 with isoleucine.
Molecular consequence: missense variant.
Genome position (GRCh38, 1-based): chr3:122,285,043, C>T. VCF-style: chr3-122285043-C-T. GRCh37 (hg19) VCF-style: chr3-122003890-C-T.
Other names: c.3119C>T, p.Thr1040Ile (NM_001178065.2); short protein forms T1040I, T1030I.
Identifiers: ClinVar variation 2923291 (VCV002923291.3), dbSNP rs2107651914, ClinGen allele CA354161414.